The following is an entry in ClinVar:

NM_197968.4(ZMYM2):c.1433G>A (p.Gly478Asp)

Gene: ZMYM2 (zinc finger MYM-type containing 2; plus strand). Cytogenetic location: 13q12.11.
Variant type: single nucleotide variant.
Coding change: c.1433G>A on transcript NM_197968.4 (MANE Select); coding-DNA position 1433, G replaced by A.
Protein change: p.Gly478Asp; replaces glycine 478 with aspartic acid.
Molecular consequence: missense variant. On other transcripts: non-coding transcript variant (1).
Genome position (GRCh38, 1-based): chr13:20,006,507, G>A. VCF-style: chr13-20006507-G-A. GRCh37 (hg19) VCF-style: chr13-20580647-G-A.
Other names: c.1433G>A, p.Gly478Asp (NM_001190964.4, NM_001190965.4, NM_001353157.2 and 5 more transcripts); c.1238G>A, p.Gly413Asp (NM_001353161.3); c.1172G>A, p.Gly391Asp (NM_001353163.2); short protein forms G391D, G413D, G478D.
Identifiers: ClinVar variation 4991929 (VCV004991929.1).

ClinVar aggregate classification (germline): Uncertain significance (1 of 4 stars; one submission).

Conditions:
ZMYM2-related disorder. Also called: ZMYM2-related condition.

gnomAD v4.1: 1 of 1,613,758 alleles (0.000062%); highest among the groups gnomAD compares: Non-Finnish European, 0.000085%; no homozygotes.

Submission:

PreventionGenetics, part of Exact Sciences
Classification: Uncertain significance for ZMYM2-related condition. Last evaluated: 2026-07-05. Review status: criteria provided, single submitter. Criteria: ACMG Guidelines, 2015. Collection method: clinical testing. Allele origin: germline.
Comment: The ZMYM2 c.1433G>A variant is predicted to result in the amino acid substitution p.Gly478Asp. To our knowledge, this variant has not been reported in the literature or in a large population database (gnomAD), indicating this variant is rare. At this time, the clinical significance of this variant is uncertain due to the absence of conclusive functional and genetic evidence.